The following is an entry in ClinVar:

NM_152722.5(HEPACAM):c.823A>G (p.Lys275Glu)

Gene: HEPACAM (hepatic and glial cell adhesion molecule; minus strand). Cytogenetic location: 11q24.2.
Variant type: single nucleotide variant.
Coding change: c.823A>G on transcript NM_152722.5 (MANE Select); coding-DNA position 823, A replaced by G.
Protein change: p.Lys275Glu; replaces lysine 275 with glutamic acid.
Molecular consequence: missense variant.
Genome position (GRCh38, 1-based): chr11:124,922,799, T>C on the plus strand (A>G on the coding strand, the complement: HEPACAM is on the minus strand). VCF-style: chr11-124922799-T-C. GRCh37 (hg19) VCF-style: chr11-124792695-T-C.
Other names: c.823A>G, p.Lys275Glu (NM_001411043.1, NM_001441320.1); short protein forms K275E.
Identifiers: ClinVar variation 4979021 (VCV004979021.1).

ClinVar aggregate classification (germline): Uncertain significance (1 of 4 stars; one submission).

Conditions:
HEPACAM-related disorder. Also called: HEPACAM-related condition.

gnomAD v4.1: 5 of 1,614,184 alleles (0.00031%); highest among the groups gnomAD compares: East Asian, 0.0022%; no homozygotes.

Submission:

PreventionGenetics, part of Exact Sciences
Classification: Uncertain significance for HEPACAM-related condition. Last evaluated: 2026-05-12. Review status: criteria provided, single submitter. Criteria: ACMG Guidelines, 2015. Collection method: clinical testing. Allele origin: germline.
Comment: The HEPACAM c.823A>G variant is predicted to result in the amino acid substitution p.Lys275Glu. To our knowledge, this variant has not been reported in the literature. This variant is reported in 0.0054% of alleles in individuals of East Asian descent in gnomAD. At this time, the clinical significance of this variant is uncertain due to the absence of conclusive functional and genetic evidence.